The following is an entry in ClinVar:

ClinVar aggregate classification (germline): Uncertain significance (1 of 4 stars; one submission).

Conditions:
Werner syndrome (WRN). Identifiers: Orphanet 902, MedGen C0043119, MONDO:0010196, OMIM 277700.

Allele frequency attached by ClinVar (database versions not stated): gnomAD exomes below 0.00001; ExAC 0.00001.
gnomAD v4.1: 2 of 1,613,572 alleles (0.00012%); highest among the groups gnomAD compares: Non-Finnish European, 0.00017%; no homozygotes.

Submission:

Labcorp Genetics (formerly Invitae), Labcorp
Classification: Uncertain significance for Werner syndrome. Last evaluated: 2024-09-23. Review status: criteria provided, single submitter. Criteria: Invitae Variant Classification Sherloc (09022015). Collection method: clinical testing. Allele origin: germline.
Comment: This sequence change replaces tyrosine, which is neutral and polar, with cysteine, which is neutral and slightly polar, at codon 218 of the WRN protein (p.Tyr218Cys). This variant is present in population databases (rs780640173, gnomAD 0.0009%). This variant has not been reported in the literature in individuals affected with WRN-related conditions. ClinVar contains an entry for this variant (Variation ID: 1447540). An algorithm developed to predict the effect of missense changes on protein structure and function (PolyPhen-2) suggests that this variant is likely to be disruptive. In summary, the available evidence is currently insufficient to determine the role of this variant in disease. Therefore, it has been classified as a Variant of Uncertain Significance.

NM_000553.6(WRN):c.653A>G (p.Tyr218Cys)

Gene: WRN (WRN RecQ like helicase; plus strand). Cytogenetic location: 8p12.
Variant type: single nucleotide variant.
Coding change: c.653A>G on transcript NM_000553.6 (MANE Select); coding-DNA position 653, A replaced by G.
Protein change: p.Tyr218Cys; replaces tyrosine 218 with cysteine.
Molecular consequence: missense variant.
Genome position (GRCh38, 1-based): chr8:31,067,181, A>G. VCF-style: chr8-31067181-A-G. GRCh37 (hg19) VCF-style: chr8-30924697-A-G.
Other names: short protein forms Y218C.
Identifiers: ClinVar variation 1447540 (VCV001447540.7), dbSNP rs780640173, ClinGen allele CA4704118.